The following is an entry in ClinVar:

NM_000089.4(COL1A2):c.3740C>A (p.Ser1247Tyr)

Gene: COL1A2 (collagen type I alpha 2 chain; plus strand). Cytogenetic location: 7q21.3.
Variant type: single nucleotide variant.
Coding change: c.3740C>A on transcript NM_000089.4 (MANE Select); coding-DNA position 3740, C replaced by A.
Protein change: p.Ser1247Tyr; replaces serine 1247 with tyrosine.
Molecular consequence: missense variant.
Genome position (GRCh38, 1-based): chr7:94,429,216, C>A. VCF-style: chr7-94429216-C-A. GRCh37 (hg19) VCF-style: chr7-94058528-C-A.
Other names: short protein forms S1247Y.
Identifiers: ClinVar variation 942768 (VCV000942768.20), dbSNP rs763721360, ClinGen allele CA4347847.

ClinVar aggregate classification (germline): Conflicting classifications of pathogenicity. Review status: criteria provided, conflicting classifications (1 of 4 stars). 3 submissions from 3 submitters: Uncertain significance (2); Likely benign (1). Last evaluated 2025-11-24.

Conditions:
Osteogenesis imperfecta type I (OI1). Also called: Lobstein's Disease; OI, TYPE I; OSTEOGENESIS IMPERFECTA TARDA; OSTEOGENESIS IMPERFECTA WITH BLUE SCLERAE; Osteogenesis imperfecta type 1; Lobstein disease. Identifiers: Orphanet 216796, Orphanet 666, MedGen C0023931, MONDO:0008146, OMIM 166200. Disease mechanism: loss of function.
Ehlers-Danlos syndrome, classic type, 1 (EDSCL1). Also called: Ehlers-Danlos syndrome, type 1; EHLERS-DANLOS SYNDROME, GRAVIS TYPE; EHLERS-DANLOS SYNDROME, SEVERE CLASSIC TYPE; EDS I; Ehlers-Danlos Syndrome, Classic Type, COL5A1-Related. Identifiers: MedGen C0268335, MONDO:0019567, OMIM 130000.
Cardiovascular phenotype. Identifiers: MedGen CN230736.

Allele frequency attached by ClinVar (database versions not stated): gnomAD below 0.00001 and 0.00005; TOPMed 0.00001; gnomAD exomes 0.00008 and 0.00016; ExAC 0.00014.
gnomAD v4.1: 118 of 1,611,716 alleles (0.0073%); highest among the groups gnomAD compares: South Asian, 0.12%; no homozygotes.

Submissions (3):

GeneDx
Classification: Uncertain significance. Last evaluated: 2025-11-24. Review status: criteria provided, single submitter. Criteria: GeneDx Variant Classification Process June 2021. Collection method: clinical testing. Allele origin: germline. Affected: yes.
Comment: Has not been previously published as pathogenic or benign to our knowledge; Not located in the triple helical region, where the majority of pathogenic missense variants occur (HGMD); In silico analysis suggests that this missense variant does not alter protein structure/function

Ambry Genetics
Classification: Uncertain significance for Cardiovascular phenotype. Last evaluated: 2025-05-05. Review status: criteria provided, single submitter. Criteria: Ambry Variant Classification Scheme 2023. Collection method: clinical testing. Allele origin: germline.
Comment: The p.S1247Y variant (also known as c.3740C>A), located in coding exon 51 of the COL1A2 gene, results from a C to A substitution at nucleotide position 3740. The serine at codon 1247 is replaced by tyrosine, an amino acid with dissimilar properties. This amino acid position is poorly conserved in available vertebrate species. In addition, the in silico prediction for this alteration is inconclusive. Since supporting evidence is limited at this time, the clinical significance of this alteration remains unclear.

Labcorp Genetics (formerly Invitae), Labcorp
Classification: Likely benign for Osteogenesis imperfecta type I; Ehlers-Danlos syndrome, classic type, 1. Last evaluated: 2025-03-18. Review status: criteria provided, single submitter. Criteria: Invitae Variant Classification Sherloc (09022015). Collection method: clinical testing. Allele origin: germline.